The following is an entry in ClinVar:

NM_000558.5(HBA1):c.47del (p.Gly16fs)

Genes: HBA1 (hemoglobin subunit alpha 1; plus strand), LOC106804613 (hemoglobin subunit alpha 1 recombination region; plus strand). Cytogenetic location: 16p13.3.
Variant type: Deletion.
Coding change: c.47del on transcript NM_000558.5 (MANE Select); coding-DNA position 47, one base deleted (G; older notation c.47delG).
Protein change: p.Gly16fs; shifts the reading frame from glycine 16.
Molecular consequence: frameshift variant.
Genome position (GRCh38, 1-based): chr16:176,763, G deleted; the last of 4 consecutive G bases (chr16:176,760-176,763); deleting any one gives the same sequence. VCF-style (leftmost placement, unchanged base first): chr16-176759-TG-T. GRCh37 (hg19) VCF-style: chr16-226758-TG-T.
Other names: short protein forms G16fs.
Identifiers: ClinVar variation 4814413 (VCV004814413.1).

ClinVar aggregate classification (germline): Likely pathogenic (1 of 4 stars; one submission).

Conditions:
alpha Thalassemia. Also called: Alpha thalassemia spectrum. Identifiers: Orphanet 846, MedGen C0002312, MONDO:0011399, OMIM 604131.

Submission:

Natera, Inc.
Classification: Likely pathogenic for Alpha thalassemia. Last evaluated: 2024-11-10. Review status: criteria provided, single submitter. Criteria: Natera Variant Classification Schema (03/2026). Collection method: clinical testing. Allele origin: germline.
Comment: The c.47del variant in HBA1 is a frameshift variant predicted to shift the reading frame beginning at codon 16 and leads to a stop codon 34 codons downstream. This variant is expected to result in nonsense mediated decay, truncation, or a dysfunctional protein product. This variant is rare in the general population with a frequency below the threshold expected for the associated phenotype(s). Given the available evidence, this variant is classified as Likely Pathogenic.